The following is an entry in ClinVar:

ClinVar aggregate classification (germline): Uncertain significance (1 of 4 stars; one submission).

Conditions:
Cardiomyopathy (CMYO). Also called: Cardiomyopathies. Identifiers: Orphanet 167848, MedGen C0878544, MONDO:0004994, HP:0001638. Inheritance: Various modes of inheritance.

Submission:

All of Us Research Program, National Institutes of Health
Classification: Uncertain significance for Cardiomyopathy. Last evaluated: 2023-08-23. Review status: criteria provided, single submitter. Criteria: ACMG Guidelines, 2015. Collection method: clinical testing. Allele origin: germline. Inheritance: Autosomal dominant inheritance. Observed: 1 variant allele, 1 heterozygote.
Comment: This missense variant replaces alanine with valine at codon 1124 of the MYH7 protein. Computational prediction is inconclusive regarding the impact of this variant on protein structure and function (internally defined REVEL score threshold 0.5 < inconclusive < 0.7, PMID: 27666373). To our knowledge, functional studies have not been reported for this variant. This variant has not been reported in individuals affected with MYH7-related disorders in the literature. This variant has not been identified in the general population by the Genome Aggregation Database (gnomAD). The available evidence is insufficient to determine the role of this variant in disease conclusively. Therefore, this variant is classified as a Variant of Uncertain Significance.

This study involves interpretation of variants in research participants for the purpose of population health screening. Participant phenotype was not available at the time of variant classification. Additional details can be found in publication PMID: 35346344, PMCID: PMC8962531

NM_000257.4(MYH7):c.3371C>T (p.Ala1124Val)

Gene: MYH7 (myosin heavy chain 7; minus strand). Cytogenetic location: 14q11.2.
Variant type: single nucleotide variant.
Coding change: c.3371C>T on transcript NM_000257.4 (MANE Select); coding-DNA position 3371, C replaced by T.
Protein change: p.Ala1124Val; replaces alanine 1124 with valine.
Molecular consequence: missense variant.
Genome position (GRCh38, 1-based): chr14:23,420,200, G>A on the plus strand (C>T on the coding strand, the complement: MYH7 is on the minus strand). VCF-style: chr14-23420200-G-A. GRCh37 (hg19) VCF-style: chr14-23889409-G-A.
Other names: c.3371C>T, p.Ala1124Val (NM_001407004.1); short protein forms A1124V.
Identifiers: ClinVar variation 3073076 (VCV003073076.1), dbSNP rs2502265282, ClinGen allele CA389044101.